The following is an entry in ClinVar:

ClinVar aggregate classification (germline): Likely pathogenic (1 of 4 stars; one submission).

Conditions:
Hypohidrotic X-linked ectodermal dysplasia (XHED). Also called: ECTODERMAL DYSPLASIA 1; Ectodermal Dysplasia 1, Anhidrotic; ECTODERMAL DYSPLASIA 1, HYPOHIDROTIC/HAIR/TOOTH TYPE, X-LINKED; ECTODERMAL DYSPLASIA 1, HYPOHIDROTIC, X-LINKED; ECTODERMAL DYSPLASIA, HYPOHIDROTIC, 1; CST SYNDROME. Identifiers: Orphanet 181, Orphanet 238468, MedGen C0162359, MONDO:0010585, OMIM 305100.

Submission:

Labcorp Genetics (formerly Invitae), Labcorp
Classification: Likely pathogenic for Hypohidrotic X-linked ectodermal dysplasia. Last evaluated: 2023-04-24. Review status: criteria provided, single submitter. Criteria: Invitae Variant Classification Sherloc (09022015). Collection method: clinical testing. Allele origin: germline.
Comment: This variant is not present in population databases (gnomAD no frequency). In summary, the currently available evidence indicates that the variant is pathogenic, but additional data are needed to prove that conclusively. Therefore, this variant has been classified as Likely Pathogenic. Advanced modeling of protein sequence and biophysical properties (such as structural, functional, and spatial information, amino acid conservation, physicochemical variation, residue mobility, and thermodynamic stability) has been performed at Invitae for this missense variant, however the output from this modeling did not meet the statistical confidence thresholds required to predict the impact of this variant on EDA protein function. ClinVar contains an entry for this variant (Variation ID: 2138595). This missense change has been observed in individual(s) with hypohidrotic ectodermal dysplasia (PMID: 17970812; Invitae). It has also been observed to segregate with disease in related individuals. This sequence change replaces methionine, which is neutral and non-polar, with arginine, which is basic and polar, at codon 279 of the EDA protein (p.Met279Arg).

Literature cited by the submitters: PubMed 17970812.

NM_001399.5(EDA):c.836T>G (p.Met279Arg)

Gene: EDA (ectodysplasin A; plus strand). Cytogenetic location: Xq13.1.
Variant type: single nucleotide variant.
Coding change: c.836T>G on transcript NM_001399.5 (MANE Select); coding-DNA position 836, T replaced by G.
Protein change: p.Met279Arg; replaces methionine 279 with arginine.
Molecular consequence: missense variant.
Genome position (GRCh38, 1-based): chrX:70,033,440, T>G. VCF-style: chrX-70033440-T-G. GRCh37 (hg19) VCF-style: chrX-69253290-T-G.
Other names: c.836T>G, p.Met279Arg (NM_001005609.2); c.827T>G, p.Met276Arg (NM_001005612.3); short protein forms M276R, M279R.
Identifiers: ClinVar variation 2138595 (VCV002138595.4), dbSNP rs2520343200, ClinGen allele CA413448844.
Genomic context (GRCh38, chrX:70,033,440, plus strand): 5'-CCCTTCTCTCATACTGAGATCTTTCAGGTGGAGTGCTCAATGACTGGTCTCGCATCACTA[T>G]GAACCCCAAGGTGTTTAAGCTACATCCCCGCAGCGGGGAGCTGGAGGTACTGGTGGACGG-3'
Protein context (NP_001390.1, residues 269-289): GVLNDWSRIT[Met279Arg]NPKVFKLHPR